The following is an entry in ClinVar:

ClinVar aggregate classification (germline): Uncertain significance (1 of 4 stars; one submission).

Conditions:
Hereditary cancer-predisposing syndrome. Also called: Neoplastic Syndromes, Hereditary; Tumor predisposition; Hereditary neoplastic syndrome; Hereditary Cancer Syndrome. Identifiers: Orphanet 140162, MedGen C0027672, MeSH D009386, MONDO:0015356.

gnomAD v4.1: 1 of 1,614,166 alleles (0.000062%); no homozygotes.

Submission:

Ambry Genetics
Classification: Uncertain significance for Hereditary cancer-predisposing syndrome. Last evaluated: 2026-07-04. Review status: criteria provided, single submitter. Criteria: Ambry Variant Classification Scheme 2023. Collection method: clinical testing. Allele origin: germline.
Comment: The p.Q404E variant (also known as c.1210C>G), located in coding exon 11 of the TSC2 gene, results from a C to G substitution at nucleotide position 1210. The glutamine at codon 404 is replaced by glutamic acid, an amino acid with highly similar properties. This amino acid position is conserved. In addition, this alteration is predicted to be tolerated by in silico analysis. Based on the available evidence, the clinical significance of this variant remains unclear.

NM_000548.5(TSC2):c.1210C>G (p.Gln404Glu)

Gene: TSC2 (TSC complex subunit 2; plus strand). Cytogenetic location: 16p13.3.
Variant type: single nucleotide variant.
Coding change: c.1210C>G on transcript NM_000548.5 (MANE Select); coding-DNA position 1210, C replaced by G.
Protein change: p.Gln404Glu; replaces glutamine 404 with glutamic acid.
Molecular consequence: missense variant. On other transcripts: 5 prime UTR variant (10), non-coding transcript variant (5).
Genome position (GRCh38, 1-based): chr16:2,061,961, C>G. VCF-style: chr16-2061961-C-G. GRCh37 (hg19) VCF-style: chr16-2111962-C-G.
Other names: c.1210C>G, p.Gln404Glu (NM_001406663.1, NM_001406664.1, NM_001406665.1 and 6 more transcripts); c.1300C>G, p.Gln434Glu (NM_001406667.1, NM_001406668.1); c.1099C>G, p.Gln367Glu (NM_001406670.1, NM_001318827.2, NM_001406678.1); c.1198C>G, p.Gln400Glu (NM_001406671.1, NM_001406673.1); c.1063C>G, p.Gln355Glu (NM_001406675.1, NM_001406676.1, NM_001318829.2 and 1 more transcripts); c.610C>G, p.Gln204Glu (NM_001318831.2, NM_001406680.1, NM_001406682.1 and 6 more transcripts); c.1243C>G, p.Gln415Glu (NM_001318832.2); c.1153C>G, p.Gln385Glu (NM_001406677.1); and 4 more; short protein forms Q355E, Q204E, Q367E, Q385E, Q415E, Q400E, Q404E, Q434E.
Identifiers: ClinVar variation 5031318 (VCV005031318.1).